The following is an entry in ClinVar:

NM_007055.4(POLR3A):c.2334C>T (p.Leu778=)

Gene: POLR3A (RNA polymerase III subunit A; minus strand). Cytogenetic location: 10q22.3.
Variant type: single nucleotide variant.
Coding change: c.2334C>T on transcript NM_007055.4 (MANE Select); coding-DNA position 2334, C replaced by T.
Protein change: p.Leu778=; no amino-acid change (leucine 778 retained).
Molecular consequence: synonymous variant.
Genome position (GRCh38, 1-based): chr10:78,002,222, G>A on the plus strand (C>T on the coding strand, the complement: POLR3A is on the minus strand). VCF-style: chr10-78002222-G-A. GRCh37 (hg19) VCF-style: chr10-79761980-G-A.
Identifiers: ClinVar variation 709981 (VCV000709981.19), dbSNP rs144671070, ClinGen allele CA5571157.

ClinVar aggregate classification (germline): Benign/Likely benign. Review status: criteria provided, multiple submitters, no conflicts (2 of 4 stars). 4 submissions from 4 submitters: Benign (1); Likely benign (3). Last evaluated 2026-01-25.

Allele frequency attached by ClinVar (database versions not stated): gnomAD exomes 0.00015 and 0.00035; ExAC 0.00113; 1000 Genomes Project 30x 0.00172; gnomAD 0.00174 and 0.00187; TOPMed 0.00183; ESP Exome Variant Server 0.00185; 1000 Genomes Project 0.00200.

Submissions (4):

Labcorp Genetics (formerly Invitae), Labcorp
Classification: Benign. Last evaluated: 2026-01-25. Review status: criteria provided, single submitter. Criteria: Invitae Variant Classification Sherloc (09022015). Collection method: clinical testing. Allele origin: germline.

CeGaT Center for Human Genetics Tuebingen
Classification: Likely benign. Last evaluated: 2025-11-01. Review status: criteria provided, single submitter. Criteria: CeGaT Center For Human Genetics Tuebingen Variant Classification Criteria Version 2. Collection method: clinical testing. Allele origin: germline. Affected: yes. Observed: 1 variant allele.
Comment: POLR3A: BP4, BP7

Blueprint Genetics
Classification: Likely benign. Last evaluated: 2024-08-06. Review status: criteria provided, single submitter. Criteria: ACMG Guidelines, 2015. Collection method: clinical testing. Allele origin: germline.

GeneDx
Classification: Likely benign. Last evaluated: 2021-04-27. Review status: criteria provided, single submitter. Criteria: GeneDx Variant Classification Process June 2021. Collection method: clinical testing. Allele origin: germline. Affected: yes.